The following is an entry in ClinVar:

ClinVar aggregate classification (germline): Uncertain significance (1 of 4 stars; one submission).

Submission:

GeneDx
Classification: Uncertain significance. Last evaluated: 2023-06-28. Review status: criteria provided, single submitter. Criteria: GeneDx Variant Classification Process June 2021. Collection method: clinical testing. Allele origin: germline. Affected: yes.
Comment: Not observed at significant frequency in large population cohorts (gnomAD); In silico analysis supports that this missense variant has a deleterious effect on protein structure/function; Has not been previously published as pathogenic or benign to our knowledge

NM_015057.5(MYCBP2):c.1583A>G (p.Asp528Gly)

Gene: MYCBP2 (MYC binding protein 2; minus strand). Cytogenetic location: 13q22.3.
Variant type: single nucleotide variant.
Coding change: c.1583A>G on transcript NM_015057.5 (MANE Select); coding-DNA position 1583, A replaced by G.
Protein change: p.Asp528Gly; replaces aspartic acid 528 with glycine.
Molecular consequence: missense variant.
Genome position (GRCh38, 1-based): chr13:77,262,117, T>C on the plus strand (A>G on the coding strand, the complement: MYCBP2 is on the minus strand). VCF-style: chr13-77262117-T-C. GRCh37 (hg19) VCF-style: chr13-77836252-T-C.
Other names: short protein forms D528G.
Identifiers: ClinVar variation 3360303 (VCV003360303.1).